The following is an entry in ClinVar:

NM_000540.3(RYR1):c.7495A>G (p.Lys2499Glu)

Gene: RYR1 (ryanodine receptor 1; plus strand). Cytogenetic location: 19q13.2.
Variant type: single nucleotide variant.
Coding change: c.7495A>G on transcript NM_000540.3 (MANE Select); coding-DNA position 7495, A replaced by G.
Protein change: p.Lys2499Glu; replaces lysine 2499 with glutamic acid.
Molecular consequence: missense variant.
Genome position (GRCh38, 1-based): chr19:38,500,871, A>G. VCF-style: chr19-38500871-A-G. GRCh37 (hg19) VCF-style: chr19-38991511-A-G.
Other names: c.7495A>G, p.Lys2499Glu (NM_001042723.2); short protein forms K2499E.
Identifiers: ClinVar variation 4281865 (VCV004281865.1).
Genomic context (GRCh38, chr19:38,500,871, plus strand): 5'-CTGCCTGCAGATGGGGCTCTGGTGCAGCCAAAGATGTCAGCATCCTTCGTGCCGGACCAC[A>G]AGGCGTCCATGGTGCTCTTCCTGGACCGTGTGTATGGCATCGAGAACCAGGACTTCTTGC-3'
Protein context (NP_000531.2, residues 2489-2509): KMSASFVPDH[Lys2499Glu]ASMVLFLDRV

ClinVar aggregate classification (germline): Uncertain significance (1 of 4 stars; one submission).

Submission:

GeneDx
Classification: Uncertain significance. Last evaluated: 2025-04-09. Review status: criteria provided, single submitter. Criteria: GeneDx Variant Classification Process June 2021. Collection method: clinical testing. Allele origin: germline. Affected: yes.
Comment: Not observed at significant frequency in large population cohorts (gnomAD); In silico analysis supports that this missense variant has a deleterious effect on protein structure/function; Has not been previously published as pathogenic or benign to our knowledge